The following is an entry in ClinVar:

ClinVar aggregate classification (germline): Likely benign. Review status: criteria provided, multiple submitters, no conflicts (2 of 4 stars). 2 submissions from 2 submitters: Likely benign (2). Last evaluated 2026-06-28.

Conditions:
TRPM1-related disorder. Also called: TRPM1-related condition.

gnomAD v4.1: 3 of 1,614,178 alleles (0.00019%); highest among the groups gnomAD compares: East Asian, 0.0067%; no homozygotes.

Submissions (2):

PreventionGenetics, part of Exact Sciences
Classification: Likely benign for TRPM1-related condition. Last evaluated: 2026-06-28. Review status: criteria provided, single submitter. Criteria: ACMG Guidelines, 2015. Collection method: clinical testing. Allele origin: germline.
Comment: This variant is classified as likely benign based on ACMG/AMP sequence variant interpretation guidelines (Richards et al. 2015 PMID: 25741868, with internal and published modifications).

Labcorp Genetics (formerly Invitae), Labcorp
Classification: Likely benign. Last evaluated: 2025-02-28. Review status: criteria provided, single submitter. Criteria: Invitae Variant Classification Sherloc (09022015). Collection method: clinical testing. Allele origin: germline.

NM_001252024.2(TRPM1):c.3024C>T (p.Ala1008=)

Genes: TRPM1 (transient receptor potential cation channel subfamily M member 1; minus strand), TRPM1-AS1 (TRPM1 antisense RNA 1; plus strand). Cytogenetic location: 15q13.3.
Variant type: single nucleotide variant.
Coding change: c.3024C>T on transcript NM_001252024.2 (MANE Select); coding-DNA position 3024, C replaced by T.
Protein change: p.Ala1008=; no amino-acid change (alanine 1008 retained).
Molecular consequence: synonymous variant.
Genome position (GRCh38, 1-based): chr15:31,031,086, G>A on the plus strand (C>T on the coding strand, the complement: TRPM1 is on the minus strand). VCF-style: chr15-31031086-G-A. GRCh37 (hg19) VCF-style: chr15-31323289-G-A.
Other names: c.3075C>T, p.Ala1025= (NM_001252020.2); c.2958C>T, p.Ala986= (NM_002420.6); c.3075C>T (NM_001252020.1).
Identifiers: ClinVar variation 4762010 (VCV004762010.2).